The following is an entry in ClinVar:

ClinVar aggregate classification (germline): Uncertain significance (1 of 4 stars; one submission).

Allele frequency attached by ClinVar (database versions not stated): gnomAD exomes 0.00001; TOPMed below 0.00001; ExAC 0.00002.
gnomAD v4.1: 20 of 1,614,192 alleles (0.0012%); highest among the groups gnomAD compares: Non-Finnish European, 0.0014%; no homozygotes.

Submission:

Labcorp Genetics (formerly Invitae), Labcorp
Classification: Uncertain significance. Last evaluated: 2025-12-08. Review status: criteria provided, single submitter. Criteria: Invitae Variant Classification Sherloc (09022015). Collection method: clinical testing. Allele origin: germline.
Comment: This sequence change replaces isoleucine, which is neutral and non-polar, with valine, which is neutral and non-polar, at codon 191 of the OCLN protein (p.Ile191Val). This variant is present in population databases (rs764005265, gnomAD 0.004%). This variant has not been reported in the literature in individuals affected with OCLN-related conditions. ClinVar contains an entry for this variant (Variation ID: 1976846). An algorithm developed to predict the effect of missense changes on protein structure and function (PolyPhen-2) suggests that this variant is likely to be disruptive. In summary, the available evidence is currently insufficient to determine the role of this variant in disease. Therefore, it has been classified as a Variant of Uncertain Significance.

NM_001205254.2(OCLN):c.571A>G (p.Ile191Val)

Gene: OCLN (occludin; plus strand). Cytogenetic location: 5q13.2.
Variant type: single nucleotide variant.
Coding change: c.571A>G on transcript NM_001205254.2 (MANE Select); coding-DNA position 571, A replaced by G.
Protein change: p.Ile191Val; replaces isoleucine 191 with valine.
Molecular consequence: missense variant. On other transcripts: intron variant (1).
Genome position (GRCh38, 1-based): chr5:69,509,661, A>G. VCF-style: chr5-69509661-A-G. GRCh37 (hg19) VCF-style: chr5-68805488-A-G.
Other names: c.571A>G, p.Ile191Val (NM_001410743.1, NM_001438048.1, NM_001438604.1 and 1 more transcripts); c.-24-4287A>G (NM_001205255.2); short protein forms I191V.
Identifiers: ClinVar variation 1976846 (VCV001976846.5), dbSNP rs764005265, ClinGen allele CA3294459.